The following is an entry in ClinVar:

NM_001042492.3(NF1):c.288+1137C>T

Gene: NF1 (neurofibromin 1; plus strand). Cytogenetic location: 17q11.2.
Variant type: single nucleotide variant.
Coding change: c.288+1137C>T on transcript NM_001042492.3 (MANE Select); 1137 bases into the intron after coding-DNA position 288, C replaced by T.
Molecular consequence: intron variant.
Genome position (GRCh38, 1-based): chr17:31,160,230, C>T. VCF-style: chr17-31160230-C-T. GRCh37 (hg19) VCF-style: chr17-29487248-C-T.
Other names: c.288+1137C>T (NM_000267.4, NM_001128147.3).
Identifiers: ClinVar variation 2724584 (VCV002724584.3), dbSNP rs2544693552, ClinGen allele CA2695225603.

ClinVar aggregate classification (germline): Pathogenic (1 of 4 stars; one submission).

Conditions:
Neurofibromatosis, type 1 (NF1). Also called: Neurofibromatosis, type I; NEUROFIBROMATOSIS, TYPE I, SOMATIC; Peripheral type neurofibromatosis; VON RECKLINGHAUSEN DISEASE. Identifiers: Orphanet 636, MedGen C0027831, MONDO:0018975, OMIM 162200. Disease mechanism: loss of function.

Submission:

Labcorp Genetics (formerly Invitae), Labcorp
Classification: Pathogenic for Neurofibromatosis, type 1. Last evaluated: 2025-01-08. Review status: criteria provided, single submitter. Criteria: Invitae Variant Classification Sherloc (09022015). Collection method: clinical testing. Allele origin: germline.
Comment: This sequence change falls in intron 3 of the NF1 gene. It does not directly change the encoded amino acid sequence of the NF1 protein. This variant is not present in population databases (gnomAD no frequency). This variant has been observed in individuals with neurofibromatosis type 1 (PMID: 31370276, 31766501; Svaasand et al. 2015. Hereditary Genet. 4 152). It has also been observed to segregate with disease in related individuals. This variant is also known as c.289-2956C>T. ClinVar contains an entry for this variant (Variation ID: 2724584). Algorithms developed to predict the effect of sequence changes on RNA splicing suggest that this variant may create or strengthen a splice site. For these reasons, this variant has been classified as Pathogenic.

Literature cited by the submitters: PubMed 31370276; PubMed 31766501; PubMed 2015; PubMed 4; PubMed 152.